The following is an entry in ClinVar:

ClinVar aggregate classification (germline): Pathogenic (1 of 4 stars; one submission).

Allele frequency attached by ClinVar (database versions not stated): gnomAD exomes below 0.00001.
gnomAD v4.1: 6 of 1,613,772 alleles (0.00037%); highest among the groups gnomAD compares: Non-Finnish European, 0.00051%; no homozygotes.

Submission:

Labcorp Genetics (formerly Invitae), Labcorp
Classification: Pathogenic. Last evaluated: 2024-02-24. Review status: criteria provided, single submitter. Criteria: Invitae Variant Classification Sherloc (09022015). Collection method: clinical testing. Allele origin: germline.
Comment: This sequence change creates a premature translational stop signal (p.Trp153*) in the TMC1 gene. It is expected to result in an absent or disrupted protein product. Loss-of-function variants in TMC1 are known to be pathogenic (PMID: 11850618, 22105175). This variant is present in population databases (no rsID available, gnomAD 0.0009%). This premature translational stop signal has been observed in individual(s) with deafness (PMID: 23208854, 27068579). ClinVar contains an entry for this variant (Variation ID: 2136777). For these reasons, this variant has been classified as Pathogenic.

Literature cited by the submitters: PubMed 11850618; PubMed 22105175; PubMed 23208854; PubMed 27068579.

NM_138691.3(TMC1):c.458G>A (p.Trp153Ter)

Gene: TMC1 (transmembrane channel like 1; plus strand). Cytogenetic location: 9q21.13.
Variant type: single nucleotide variant.
Coding change: c.458G>A on transcript NM_138691.3 (MANE Select); coding-DNA position 458, G replaced by A.
Protein change: p.Trp153Ter; replaces tryptophan 153 with a stop codon.
Molecular consequence: nonsense.
Genome position (GRCh38, 1-based): chr9:72,742,448, G>A. VCF-style: chr9-72742448-G-A. GRCh37 (hg19) VCF-style: chr9-75357364-G-A.
Other names: short protein forms W153*.
Identifiers: ClinVar variation 2136777 (VCV002136777.4), dbSNP rs1446953320, ClinGen allele CA373495238.